The following is an entry in ClinVar:

ClinVar aggregate classification (germline): Likely benign (0 of 4 stars; one submission).

Conditions:
GLDC-related disorder. Also called: GLDC-related condition.

Submission:

PreventionGenetics, part of Exact Sciences
Classification: Likely benign for GLDC-related condition. Last evaluated: 2021-02-02. Review status: no assertion criteria provided. Collection method: clinical testing. Allele origin: germline.
Comment: This variant is classified as likely benign based on ACMG/AMP sequence variant interpretation guidelines (Richards et al. 2015 PMID: 25741868, with internal and published modifications).

NM_000170.3(GLDC):c.1035T>A (p.Pro345=)

Gene: GLDC (glycine decarboxylase; minus strand). Cytogenetic location: 9p24.1.
Variant type: single nucleotide variant.
Coding change: c.1035T>A on transcript NM_000170.3 (MANE Select); coding-DNA position 1035, T replaced by A.
Protein change: p.Pro345=; no amino-acid change (proline 345 retained).
Molecular consequence: synonymous variant.
Genome position (GRCh38, 1-based): chr9:6,604,611, A>T on the plus strand (T>A on the coding strand, the complement: GLDC is on the minus strand). VCF-style: chr9-6604611-A-T. GRCh37 (hg19) VCF-style: chr9-6604611-A-T.
Identifiers: ClinVar variation 3030107 (VCV003030107.2), dbSNP rs759830992, ClinGen allele CA463601131.